The following is an entry in ClinVar:

ClinVar aggregate classification (germline): Uncertain significance. Review status: criteria provided, multiple submitters, no conflicts (2 of 4 stars). 4 submissions from 4 submitters: Uncertain significance (4). Last evaluated 2025-08-03.

Conditions:
Cardiomyopathy (CMYO). Also called: Cardiomyopathies. Identifiers: Orphanet 167848, MedGen C0878544, MONDO:0004994, HP:0001638. Inheritance: Various modes of inheritance.
Cardiovascular phenotype. Identifiers: MedGen CN230736.
Arrhythmogenic right ventricular dysplasia 8 (ARVD8). Also called: Arrhythmogenic Right Ventricular Dysplasia/Cardiomyopathy 8; ARRHYTHMOGENIC RIGHT VENTRICULAR DYSPLASIA, FAMILIAL, 8; ARRHYTHMOGENIC RIGHT VENTRICULAR CARDIOMYOPATHY 8. Identifiers: MedGen C1843896, MONDO:0011831, OMIM 607450.
Arrhythmogenic cardiomyopathy with wooly hair and keratoderma. Also called: Arrhythmogenic cardiomyopathy with woolly hair and keratoderma; PALMOPLANTAR KERATODERMA WITH LEFT VENTRICULAR CARDIOMYOPATHY AND WOOLLY HAIR; Carvajal syndrome; Dilated cardiomyopathy with woolly hair and keratoderma. Identifiers: Orphanet 65282, MedGen C1854063, MONDO:0011581, OMIM 605676.

Allele frequency attached by ClinVar (database versions not stated): gnomAD exomes 0.00002; ExAC 0.00003.

Submissions (4):

Ambry Genetics
Classification: Uncertain significance for Cardiovascular phenotype. Last evaluated: 2025-08-03. Review status: criteria provided, single submitter. Criteria: Ambry Variant Classification Scheme 2023. Collection method: clinical testing. Allele origin: germline.
Comment: The p.R1728K variant (also known as c.5183G>A), located in coding exon 23 of the DSP gene, results from a G to A substitution at nucleotide position 5183. The arginine at codon 1728 is replaced by lysine, an amino acid with highly similar properties. This amino acid position is conserved. In addition, this alteration is predicted to be tolerated by in silico analysis. Based on the available evidence, the clinical significance of this variant remains unclear.

All of Us Research Program, National Institutes of Health
Classification: Uncertain significance for Arrhythmogenic cardiomyopathy with wooly hair and keratoderma. Last evaluated: 2024-06-11. Review status: criteria provided, single submitter. Criteria: ACMG Guidelines, 2015. Collection method: clinical testing. Allele origin: germline. Inheritance: Autosomal dominant inheritance. Observed: 3 variant alleles, 3 heterozygotes.
Comment: This missense variant replaces arginine with lysine at codon 1728 of the DSP protein. Computational prediction suggests that this variant may not impact protein structure and function (internally defined REVEL score threshold <= 0.5, PMID: 27666373). Splice site prediction tools suggest that this variant may not impact RNA splicing. To our knowledge, functional studies have not been performed for this variant. This variant has not been reported in individuals affected with cardiovascular disorders in the literature. This variant has been identified in 4/251354 chromosomes in the general population by the Genome Aggregation Database (gnomAD). The available evidence is insufficient to determine the role of this variant in disease conclusively. Therefore, this variant is classified as a Variant of Uncertain Significance.

This study involves interpretation of variants in research participants for the purpose of population health screening. Participant phenotype was not available at the time of variant classification. Additional details can be found in publication PMID: 35346344, PMCID: PMC8962531

Color Diagnostics, LLC DBA Color Health
Classification: Uncertain significance for Cardiomyopathy. Last evaluated: 2024-03-06. Review status: criteria provided, single submitter. Criteria: ACMG Guidelines, 2015. Collection method: clinical testing. Allele origin: germline.
Comment: This missense variant replaces arginine with lysine at codon 1728 of the DSP protein. Computational prediction suggests that this variant may not impact protein structure and function (internally defined REVEL score threshold <= 0.5, PMID: 27666373). Splice site prediction tools suggest that this variant may not impact RNA splicing. To our knowledge, functional studies have not been performed for this variant. This variant has not been reported in individuals affected with cardiovascular disorders in the literature. This variant has been identified in 4/251354 chromosomes in the general population by the Genome Aggregation Database (gnomAD). The available evidence is insufficient to determine the role of this variant in disease conclusively. Therefore, this variant is classified as a Variant of Uncertain Significance.

Labcorp Genetics (formerly Invitae), Labcorp
Classification: Uncertain significance for Dilated cardiomyopathy with woolly hair and keratoderma; Arrhythmogenic right ventricular cardiomyopathy, type 8. Last evaluated: 2018-09-05. Review status: criteria provided, single submitter. Criteria: Invitae Variant Classification Sherloc (09022015). Collection method: clinical testing. Allele origin: germline.
Comment: This sequence change replaces arginine with lysine at codon 1728 of the DSP protein (p.Arg1728Lys). The arginine residue is highly conserved and there is a small physicochemical difference between arginine and lysine. This variant is present in population databases (rs750854585, ExAC 0.006%). This variant has not been reported in the literature in individuals with DSP-related disease. Algorithms developed to predict the effect of missense changes on protein structure and function output the following: SIFT: "Deleterious"; PolyPhen-2: "Benign"; Align-GVGD: "Class C25". The lysine amino acid residue is found in multiple mammalian species, suggesting that this missense change does not adversely affect protein function. These predictions have not been confirmed by published functional studies and their clinical significance is uncertain. In summary, the available evidence is currently insufficient to determine the role of this variant in disease. Therefore, it has been classified as a Variant of Uncertain Significance.

NM_004415.4(DSP):c.5183G>A (p.Arg1728Lys)

Gene: DSP (desmoplakin; plus strand). Cytogenetic location: 6p24.3.
Variant type: single nucleotide variant.
Coding change: c.5183G>A on transcript NM_004415.4 (MANE Select); coding-DNA position 5183, G replaced by A.
Protein change: p.Arg1728Lys; replaces arginine 1728 with lysine.
Molecular consequence: missense variant. On other transcripts: intron variant (2).
Genome position (GRCh38, 1-based): chr6:7,581,373, G>A. VCF-style: chr6-7581373-G-A. GRCh37 (hg19) VCF-style: chr6-7581606-G-A.
Other names: c.5183G>A (LRG_423t1); c.4050+1133G>A (NM_001319034.2); c.3583-1269G>A (NM_001008844.3); short protein forms R1728K.
Identifiers: ClinVar variation 640891 (VCV000640891.9), dbSNP rs750854585, ClinGen allele CA044131.
Genomic context (GRCh38, chr6:7,581,373, plus strand): 5'-CTCTCACAGAGAACCTGACCAAGGAGCACTTGATGTTAGAAGAAGAACTGCGGAACCTGA[G>A]GCTGGAGTACGATGACCTGAGGAGAGGACGAAGCGAAGCGGACAGTGATAAAAATGCAAC-3'
Protein context (NP_004406.2, residues 1718-1738): LMLEEELRNL[Arg1728Lys]LEYDDLRRGR